The following is an entry in ClinVar:

NM_000548.5(TSC2):c.2743-3C>T

Gene: TSC2 (TSC complex subunit 2; plus strand). Cytogenetic location: 16p13.3.
Variant type: single nucleotide variant.
Coding change: c.2743-3C>T on transcript NM_000548.5 (MANE Select); 3 bases into the intron before coding-DNA position 2743, C replaced by T.
Molecular consequence: intron variant.
Genome position (GRCh38, 1-based): chr16:2,076,488, C>T. VCF-style: chr16-2076488-C-T. GRCh37 (hg19) VCF-style: chr16-2126489-C-T.
Other names: c.2743-3C>T (NM_001114382.3, NM_021055.3, NM_001370405.1 and 5 more transcripts); c.2632-3C>T (NM_001318827.2); c.2143-3C>T (NM_001318831.2); c.2596-3C>T (NM_001318829.2); c.2776-3C>T (NM_001318832.2).
Identifiers: ClinVar variation 2165662 (VCV002165662.7), dbSNP rs45517264, ClinGen allele CA2580090877.

ClinVar aggregate classification (germline): Conflicting classifications of pathogenicity. Review status: criteria provided, conflicting classifications (1 of 4 stars). 3 submissions from 3 submitters: Uncertain significance (1); Likely benign (1). 1 of the submissions does not count toward it. Last evaluated 2025-07-30.

Conditions:
TSC2-related disorder. Also called: TSC2-related condition; TSC2-Related Disorders.
Hereditary cancer-predisposing syndrome. Also called: Neoplastic Syndromes, Hereditary; Hereditary neoplastic syndrome; Hereditary Cancer Syndrome; Tumor predisposition. Identifiers: Orphanet 140162, MedGen C0027672, MeSH D009386, MONDO:0015356.
Tuberous sclerosis 2 (TSC2). Identifiers: Orphanet 805, MedGen C1860707, MONDO:0013199, OMIM 613254.

gnomAD v4.1: 1 of 1,613,352 alleles (0.000062%); highest among the groups gnomAD compares: Non-Finnish European, 0.000085%; no homozygotes.

Submissions (3):

Labcorp Genetics (formerly Invitae), Labcorp
Classification: Likely benign for Tuberous sclerosis 2. Last evaluated: 2025-07-30. Review status: criteria provided, single submitter. Criteria: Invitae Variant Classification Sherloc (09022015). Collection method: clinical testing. Allele origin: germline.

Ambry Genetics
Classification: Uncertain significance for Hereditary cancer-predisposing syndrome. Last evaluated: 2023-11-21. Review status: criteria provided, single submitter. Criteria: Ambry Variant Classification Scheme 2023. Collection method: clinical testing. Allele origin: germline.
Comment: The c.2743-3C>T intronic variant results from a C to T substitution 3 nucleotides upstream from coding exon 24 in the TSC2 gene. This nucleotide position is well conserved in available vertebrate species. In silico splice site analysis predicts that this alteration will not have any significant effect on splicing. Since supporting evidence is limited at this time, the clinical significance of this alteration remains unclear.

PreventionGenetics, part of Exact Sciences
Classification: Likely benign for TSC2-related condition. Last evaluated: 2022-11-29. Review status: no assertion criteria provided. Collection method: clinical testing. Allele origin: germline. Not counted in ClinVar's aggregate classification.
Comment: This variant is classified as likely benign based on ACMG/AMP sequence variant interpretation guidelines (Richards et al. 2015 PMID: 25741868, with internal and published modifications).